The following is an entry in ClinVar:

NM_001388492.1(HTT):c.9030G>A (p.Gln3010=)

Gene: HTT (huntingtin; plus strand). Cytogenetic location: 4p16.3.
Variant type: single nucleotide variant.
Coding change: c.9030G>A on transcript NM_001388492.1 (MANE Select); coding-DNA position 9030, G replaced by A.
Protein change: p.Gln3010=; no amino-acid change (glutamine 3010 retained).
Molecular consequence: synonymous variant.
Genome position (GRCh38, 1-based): chr4:3,238,585, G>A. VCF-style: chr4-3238585-G-A. GRCh37 (hg19) VCF-style: chr4-3240312-G-A.
Other names: c.9036G>A, p.Gln3012= (NM_002111.8).
Identifiers: ClinVar variation 1663949 (VCV001663949.33), dbSNP rs141927489, ClinGen allele CA2825866.

ClinVar aggregate classification (germline): Benign/Likely benign. Review status: criteria provided, multiple submitters, no conflicts (2 of 4 stars). 3 submissions from 3 submitters: Benign (2); Likely benign (1). Last evaluated 2026-02-01.

Allele frequency attached by ClinVar (database versions not stated): 1000 Genomes Project 30x 0.00141; 1000 Genomes Project 0.00180; TOPMed 0.00312; ESP Exome Variant Server 0.00329; gnomAD 0.00352 and 0.00366; ExAC 0.00360; gnomAD exomes 0.00365.
gnomAD v4.1: 6,567 of 1,611,574 alleles (0.41%); highest among the groups gnomAD compares: Non-Finnish European, 0.47%; 31 homozygotes.

Submissions (3):

CeGaT Center for Human Genetics Tuebingen
Classification: Likely benign. Last evaluated: 2026-02-01. Review status: criteria provided, single submitter. Criteria: CeGaT Center For Human Genetics Tuebingen Variant Classification Criteria Version 2. Collection method: clinical testing. Allele origin: germline. Affected: yes. Observed: 6 variant alleles.
Comment: HTT: BP4, BS2

Labcorp Genetics (formerly Invitae), Labcorp
Classification: Benign. Last evaluated: 2025-07-14. Review status: criteria provided, single submitter. Criteria: Invitae Variant Classification Sherloc (09022015). Collection method: clinical testing. Allele origin: germline.

Breakthrough Genomics
Classification: Benign. Review status: criteria provided, single submitter. Criteria: ACMG Guidelines, 2015. Collection method: not provided. Allele origin: germline. Inheritance: Autosomal recessive inheritance. Affected: yes.